The following is an entry in ClinVar:

NM_000532.5(PCCB):c.1037G>A (p.Arg346Lys)

Gene: PCCB (propionyl-CoA carboxylase subunit beta; plus strand). Cytogenetic location: 3q22.3.
Variant type: single nucleotide variant.
Coding change: c.1037G>A on transcript NM_000532.5 (MANE Select); coding-DNA position 1037, G replaced by A.
Protein change: p.Arg346Lys; replaces arginine 346 with lysine.
Molecular consequence: missense variant.
Genome position (GRCh38, 1-based): chr3:136,317,011, G>A. VCF-style: chr3-136317011-G-A. GRCh37 (hg19) VCF-style: chr3-136035853-G-A.
Other names: c.1097G>A, p.Arg366Lys (NM_001178014.2); short protein forms R346K, R366K.
Identifiers: ClinVar variation 2733181 (VCV002733181.2), dbSNP rs1331723746, ClinGen allele CA354647328.

ClinVar aggregate classification (germline): Uncertain significance (1 of 4 stars; one submission).

Conditions:
Propionic acidemia (PROP). Also called: GLYCINEMIA, KETOTIC; HYPERGLYCINEMIA WITH KETOACIDOSIS AND LEUKOPENIA; KETOTIC HYPERGLYCINEMIA. Identifiers: Orphanet 35, MedGen C0268579, MONDO:0011628, OMIM 606054, HP:0003571.

Allele frequency attached by ClinVar (database versions not stated): gnomAD exomes below 0.00001.
gnomAD v4.1: 4 of 1,613,992 alleles (0.00025%); highest among the groups gnomAD compares: Non-Finnish European, 0.00017%; no homozygotes.

Submission:

Labcorp Genetics (formerly Invitae), Labcorp
Classification: Uncertain significance for Propionic acidemia. Last evaluated: 2025-07-10. Review status: criteria provided, single submitter. Criteria: Invitae Variant Classification Sherloc (09022015). Collection method: clinical testing. Allele origin: germline.
Comment: This sequence change replaces arginine, which is basic and polar, with lysine, which is basic and polar, at codon 346 of the PCCB protein (p.Arg346Lys). This variant is present in population databases (no rsID available, gnomAD 0.0009%). This variant has not been reported in the literature in individuals affected with PCCB-related conditions. ClinVar contains an entry for this variant (Variation ID: 2733181). Invitae Evidence Modeling of protein sequence and biophysical properties (such as structural, functional, and spatial information, amino acid conservation, physicochemical variation, residue mobility, and thermodynamic stability) has been performed for this missense variant. However, the output from this modeling did not meet the statistical confidence thresholds required to predict the impact of this variant on PCCB protein function. In summary, the available evidence is currently insufficient to determine the role of this variant in disease. Therefore, it has been classified as a Variant of Uncertain Significance.